The following is an entry in ClinVar:

ClinVar aggregate classification (germline): Uncertain significance (1 of 4 stars; one submission).

Submission:

Labcorp Genetics (formerly Invitae), Labcorp
Classification: Uncertain significance. Last evaluated: 2021-10-07. Review status: criteria provided, single submitter. Criteria: Invitae Variant Classification Sherloc (09022015). Collection method: clinical testing. Allele origin: germline.
Comment: This sequence change replaces isoleucine with serine at codon 55 of the STAT4 protein (p.Ile55Ser). The isoleucine residue is moderately conserved and there is a large physicochemical difference between isoleucine and serine. In summary, the available evidence is currently insufficient to determine the role of this variant in disease. Therefore, it has been classified as a Variant of Uncertain Significance. Algorithms developed to predict the effect of missense changes on protein structure and function are either unavailable or do not agree on the potential impact of this missense change (SIFT: "Deleterious"; PolyPhen-2: "Possibly Damaging"; Align-GVGD: "Class C0"). This variant has not been reported in the literature in individuals affected with STAT4-related conditions. This variant is not present in population databases (ExAC no frequency).

NM_003151.4(STAT4):c.164T>G (p.Ile55Ser)

Gene: STAT4 (signal transducer and activator of transcription 4; minus strand). Cytogenetic location: 2q32.3.
Variant type: single nucleotide variant.
Coding change: c.164T>G on transcript NM_003151.4 (MANE Select); coding-DNA position 164, T replaced by G.
Protein change: p.Ile55Ser; replaces isoleucine 55 with serine.
Molecular consequence: missense variant.
Genome position (GRCh38, 1-based): chr2:191,146,722, A>C on the plus strand (T>G on the coding strand, the complement: STAT4 is on the minus strand). VCF-style: chr2-191146722-A-C. GRCh37 (hg19) VCF-style: chr2-192011448-A-C.
Other names: c.164T>G, p.Ile55Ser (NM_001243835.2); short protein forms I55S.
Identifiers: ClinVar variation 1385247 (VCV001385247.6), dbSNP rs2125459825, ClinGen allele CA350002621.